The following is an entry in ClinVar:

ClinVar aggregate classification (germline): Uncertain significance. Review status: criteria provided, multiple submitters, no conflicts (2 of 4 stars). 2 submissions from 2 submitters: Uncertain significance (2). Last evaluated 2022-08-23.

Conditions:
Acrocallosal syndrome (ACLS). Also called: Schinzel syndrome 1; Absence of corpus callosum with unusual facial appearance, mental deficiency, duplication of the halluces and polydactyly; HALLUX DUPLICATION, POSTAXIAL POLYDACTYLY, AND ABSENCE OF CORPUS CALLOSUM. Identifiers: Orphanet 36, MedGen C0796147, MONDO:0008708, OMIM 200990.

Allele frequency attached by ClinVar (database versions not stated): gnomAD 0.00001; gnomAD exomes 0.00001 and 0.00002; ExAC 0.00002.
gnomAD v4.1: 10 of 1,606,332 alleles (0.00062%); highest among the groups gnomAD compares: African/African-American, 0.0027%; no homozygotes.

Submissions (2):

Labcorp Genetics (formerly Invitae), Labcorp
Classification: Uncertain significance for Acrocallosal syndrome. Last evaluated: 2022-08-23. Review status: criteria provided, single submitter. Criteria: Invitae Variant Classification Sherloc (09022015). Collection method: clinical testing. Allele origin: germline.
Comment: This sequence change replaces arginine, which is basic and polar, with tryptophan, which is neutral and slightly polar, at codon 1339 of the KIF7 protein (p.Arg1339Trp). This variant is present in population databases (rs757946358, gnomAD 0.007%). This variant has not been reported in the literature in individuals affected with KIF7-related conditions. ClinVar contains an entry for this variant (Variation ID: 1523356). Algorithms developed to predict the effect of missense changes on protein structure and function are either unavailable or do not agree on the potential impact of this missense change (SIFT: "Deleterious"; PolyPhen-2: "Probably Damaging"; Align-GVGD: "Class C0"). In summary, the available evidence is currently insufficient to determine the role of this variant in disease. Therefore, it has been classified as a Variant of Uncertain Significance.

Blueprint Genetics
Classification: Uncertain significance. Last evaluated: 2021-08-25. Review status: criteria provided, single submitter. Criteria: ACMG Guidelines, 2015. Collection method: clinical testing. Allele origin: germline.

NM_198525.3(KIF7):c.4015C>T (p.Arg1339Trp)

Gene: KIF7 (kinesin family member 7; minus strand). Cytogenetic location: 15q26.1.
Variant type: single nucleotide variant.
Coding change: c.4015C>T on transcript NM_198525.3 (MANE Select); coding-DNA position 4015, C replaced by T.
Protein change: p.Arg1339Trp; replaces arginine 1339 with tryptophan.
Molecular consequence: missense variant.
Genome position (GRCh38, 1-based): chr15:89,628,436, G>A on the plus strand (C>T on the coding strand, the complement: KIF7 is on the minus strand). VCF-style: chr15-89628436-G-A. GRCh37 (hg19) VCF-style: chr15-90171667-G-A.
Other names: short protein forms R1339W.
Identifiers: ClinVar variation 1523356 (VCV001523356.6), dbSNP rs757946358, ClinGen allele CA7727444.